The following is an entry in ClinVar:

NM_000540.3(RYR1):c.1364C>T (p.Ser455Phe)

Gene: RYR1 (ryanodine receptor 1; plus strand). Cytogenetic location: 19q13.2.
Variant type: single nucleotide variant.
Coding change: c.1364C>T on transcript NM_000540.3 (MANE Select); coding-DNA position 1364, C replaced by T.
Protein change: p.Ser455Phe; replaces serine 455 with phenylalanine.
Molecular consequence: missense variant.
Genome position (GRCh38, 1-based): chr19:38,452,938, C>T. VCF-style: chr19-38452938-C-T. GRCh37 (hg19) VCF-style: chr19-38943578-C-T.
Other names: c.1364C>T, p.Ser455Phe (NM_001042723.2); short protein forms S455F.
Identifiers: ClinVar variation 1386081 (VCV001386081.6), dbSNP rs1483259409, ClinGen allele CA405686138.

ClinVar aggregate classification (germline): Uncertain significance (1 of 4 stars; one submission).

Conditions:
RYR1-related disorder. Also called: RYR1-related condition; RYR1-related disorders. Identifiers: MedGen CN239331.

Allele frequency attached by ClinVar (database versions not stated): gnomAD exomes below 0.00001.
gnomAD v4.1: 5 of 1,613,998 alleles (0.00031%); highest among the groups gnomAD compares: Non-Finnish European, 0.00042%; no homozygotes.

Submission:

Labcorp Genetics (formerly Invitae), Labcorp
Classification: Uncertain significance for RYR1-related disorder. Last evaluated: 2022-06-27. Review status: criteria provided, single submitter. Criteria: Invitae Variant Classification Sherloc (09022015). Collection method: clinical testing. Allele origin: germline.
Comment: In summary, the available evidence is currently insufficient to determine the role of this variant in disease. Therefore, it has been classified as a Variant of Uncertain Significance. Advanced modeling of protein sequence and biophysical properties (such as structural, functional, and spatial information, amino acid conservation, physicochemical variation, residue mobility, and thermodynamic stability) performed at Invitae indicates that this missense variant is not expected to disrupt RYR1 protein function. This variant has not been reported in the literature in individuals affected with RYR1-related conditions. This variant is present in population databases (no rsID available, gnomAD 0.0009%). This sequence change replaces serine, which is neutral and polar, with phenylalanine, which is neutral and non-polar, at codon 455 of the RYR1 protein (p.Ser455Phe).